The following is an entry in ClinVar:

ClinVar aggregate classification (germline): Uncertain significance (1 of 4 stars; one submission).

Conditions:
Smith-Lemli-Opitz syndrome (SLOS). Also called: LETHAL ACRODYSGENITAL SYNDROME; POLYDACTYLY, SEX REVERSAL, RENAL HYPOPLASIA, AND UNILOBAR LUNG; RSH SYNDROME; RUTLEDGE LETHAL MULTIPLE CONGENITAL ANOMALY SYNDROME; 7-Dehydrocholesterol reductase deficiency. Identifiers: Orphanet 818, MedGen C0175694, MONDO:0010035, OMIM 270400.

Submission:

Labcorp Genetics (formerly Invitae), Labcorp
Classification: Uncertain significance for Smith-Lemli-Opitz syndrome. Last evaluated: 2022-01-26. Review status: criteria provided, single submitter. Criteria: Invitae Variant Classification Sherloc (09022015). Collection method: clinical testing. Allele origin: germline.
Comment: In summary, the available evidence is currently insufficient to determine the role of this variant in disease. Therefore, it has been classified as a Variant of Uncertain Significance. This sequence change replaces aspartic acid, which is acidic and polar, with histidine, which is basic and polar, at codon 386 of the DHCR7 protein (p.Asp386His). This variant is not present in population databases (gnomAD no frequency). This variant has not been reported in the literature in individuals affected with DHCR7-related conditions. Advanced modeling of protein sequence and biophysical properties (such as structural, functional, and spatial information, amino acid conservation, physicochemical variation, residue mobility, and thermodynamic stability) performed at Invitae indicates that this missense variant is expected to disrupt DHCR7 protein function.

NM_001360.3(DHCR7):c.1156G>C (p.Asp386His)

Gene: DHCR7 (7-dehydrocholesterol reductase; minus strand). Cytogenetic location: 11q13.4.
Variant type: single nucleotide variant.
Coding change: c.1156G>C on transcript NM_001360.3 (MANE Select); coding-DNA position 1156, G replaced by C.
Protein change: p.Asp386His; replaces aspartic acid 386 with histidine.
Molecular consequence: missense variant.
Genome position (GRCh38, 1-based): chr11:71,435,647, C>G on the plus strand (G>C on the coding strand, the complement: DHCR7 is on the minus strand). VCF-style: chr11-71435647-C-G. GRCh37 (hg19) VCF-style: chr11-71146693-C-G.
Other names: c.1156G>C, p.Asp386His (NM_001163817.2); short protein forms D386H.
Identifiers: ClinVar variation 2044521 (VCV002044521.4), dbSNP rs369837196, ClinGen allele CA381701767.